The following is an entry in ClinVar:

ClinVar aggregate classification (germline): Uncertain significance (1 of 4 stars; one submission).

Conditions:
Familial thoracic aortic aneurysm and aortic dissection (TAAD). Also called: Thoracic aortic aneurysms and dissections. Identifiers: Orphanet 91387, MedGen C4707243, MONDO:0019625.

Submission:

Ambry Genetics
Classification: Uncertain significance for Familial thoracic aortic aneurysm and aortic dissection. Last evaluated: 2026-08-08. Review status: criteria provided, single submitter. Criteria: Ambry Variant Classification Scheme 2023. Collection method: clinical testing. Allele origin: germline.
Comment: The p.R836L variant (also known as c.2507G>T), located in coding exon 38 of the COL5A2 gene, results from a G to T substitution at nucleotide position 2507. The arginine at codon 836 is replaced by leucine, an amino acid with dissimilar properties. This amino acid position is conserved. In addition, this alteration is predicted to be deleterious by in silico analysis. Based on the available evidence, the clinical significance of this variant remains unclear.

NM_000393.5(COL5A2):c.2507G>T (p.Arg836Leu)

Gene: COL5A2 (collagen type V alpha 2 chain; minus strand). Cytogenetic location: 2q32.2.
Variant type: single nucleotide variant.
Coding change: c.2507G>T on transcript NM_000393.5 (MANE Select); coding-DNA position 2507, G replaced by T.
Protein change: p.Arg836Leu; replaces arginine 836 with leucine.
Molecular consequence: missense variant.
Genome position (GRCh38, 1-based): chr2:189,053,470, C>A on the plus strand (G>T on the coding strand, the complement: COL5A2 is on the minus strand). VCF-style: chr2-189053470-C-A. GRCh37 (hg19) VCF-style: chr2-189918196-C-A.
Other names: short protein forms R836L.
Identifiers: ClinVar variation 5034838 (VCV005034838.1).